The following is an entry in ClinVar:

NM_022835.3(PLEKHG2):c.1426C>T (p.Arg476Cys)

Gene: PLEKHG2 (pleckstrin homology and RhoGEF domain containing G2; plus strand). Cytogenetic location: 19q13.2.
Variant type: single nucleotide variant.
Coding change: c.1426C>T on transcript NM_022835.3 (MANE Select); coding-DNA position 1426, C replaced by T.
Protein change: p.Arg476Cys; replaces arginine 476 with cysteine.
Molecular consequence: missense variant.
Genome position (GRCh38, 1-based): chr19:39,420,975, C>T. VCF-style: chr19-39420975-C-T. GRCh37 (hg19) VCF-style: chr19-39911615-C-T.
Other names: c.1249C>T, p.Arg417Cys (NM_001351693.2); c.1426C>T, p.Arg476Cys (NM_001351694.2); short protein forms R417C, R476C.
Identifiers: ClinVar variation 1034018 (VCV001034018.2), dbSNP rs867114386, ClinGen allele CA308243062.

ClinVar aggregate classification (germline): Uncertain significance. Review status: criteria provided, multiple submitters, no conflicts (2 of 4 stars). 2 submissions from 2 submitters: Uncertain significance (2). Last evaluated 2025-06-04.

Conditions:
Leukodystrophy and acquired microcephaly with or without dystonia;. Also called: Leukodystrophy and acquired microcephaly with or without dystonia. Identifiers: MedGen C4225213, MONDO:0014766, OMIM 616763.

Allele frequency attached by ClinVar (database versions not stated): gnomAD 0.00001 and 0.00002; TOPMed 0.00003.
gnomAD v4.1: 9 of 1,613,904 alleles (0.00056%); highest among the groups gnomAD compares: Admixed American, 0.005%; no homozygotes.

Submissions (2):

GeneDx
Classification: Uncertain significance. Last evaluated: 2025-06-04. Review status: criteria provided, single submitter. Criteria: GeneDx Variant Classification Process June 2021. Collection method: clinical testing. Allele origin: germline. Affected: yes.
Comment: Not observed at significant frequency in large population cohorts (gnomAD); In silico analysis supports that this missense variant has a deleterious effect on protein structure/function; Has not been previously published as pathogenic or benign to our knowledge

Baylor Genetics
Classification: Uncertain significance for Leukodystrophy and acquired microcephaly with or without dystonia;. Last evaluated: 2018-05-19. Review status: criteria provided, single submitter. Criteria: ACMG Guidelines, 2015. Collection method: clinical testing. Allele origin: paternal. Affected: yes.
Comment: This variant was determined to be of uncertain significance according to ACMG Guidelines, 2015 [PMID:25741868].